The following is an entry in ClinVar:

NM_003579.4(RAD54L):c.843T>G (p.His281Gln)

Gene: RAD54L (RAD54 like; plus strand). Cytogenetic location: 1p34.1.
Variant type: single nucleotide variant.
Coding change: c.843T>G on transcript NM_003579.4 (MANE Select); coding-DNA position 843, T replaced by G.
Protein change: p.His281Gln; replaces histidine 281 with glutamine.
Molecular consequence: missense variant.
Genome position (GRCh38, 1-based): chr1:46,261,337, T>G. VCF-style: chr1-46261337-T-G. GRCh37 (hg19) VCF-style: chr1-46727009-T-G.
Other names: c.843T>G, p.His281Gln (NM_001142548.2); c.303T>G, p.His101Gln (NM_001370766.1); short protein forms H281Q, H101Q.
Identifiers: ClinVar variation 2625156 (VCV002625156.2), dbSNP rs2525672663, ClinGen allele CA340189081.
Genomic context (GRCh38, chr1:46,261,337, plus strand): 5'-GCGTGGAGCCAGGGTGTCTTCTCCCATCCTCATCATTTCCTATGAGACCTTCCGCCTTCA[T>G]GTTGGAGTCCTCCAGAAAGGAAGTGTTGGTCTGGTCATATGTGACGAGGTACTTGACTCT-3'
Protein context (NP_003570.2, residues 271-291): LIISYETFRL[His281Gln]VGVLQKGSVG

ClinVar aggregate classification (germline): Uncertain significance (1 of 4 stars; one submission).

Submission:

Ambry Genetics
Classification: Uncertain significance. Last evaluated: 2023-07-26. Review status: criteria provided, single submitter. Criteria: Ambry Variant Classification Scheme 2023. Collection method: clinical testing. Allele origin: germline.
Comment: The p.H281Q variant (also known as c.843T>G), located in coding exon 8 of the RAD54L gene, results from a T to G substitution at nucleotide position 843. The histidine at codon 281 is replaced by glutamine, an amino acid with highly similar properties. This amino acid position is conserved. In addition, the in silico prediction for this alteration is inconclusive. Since supporting evidence is limited at this time, the clinical significance of this alteration remains unclear.